The following is an entry in ClinVar:

NM_014956.5(CEP164):c.3737G>A (p.Arg1246Gln)

Gene: CEP164 (centrosomal protein 164; plus strand). Cytogenetic location: 11q23.3.
Variant type: single nucleotide variant.
Coding change: c.3737G>A on transcript NM_014956.5 (MANE Select); coding-DNA position 3737, G replaced by A.
Protein change: p.Arg1246Gln; replaces arginine 1246 with glutamine.
Molecular consequence: missense variant. On other transcripts: intron variant (1).
Genome position (GRCh38, 1-based): chr11:117,409,017, G>A. VCF-style: chr11-117409017-G-A. GRCh37 (hg19) VCF-style: chr11-117279733-G-A.
Other names: c.3733+13G>A (NM_001271933.2); c.3737G>A (NM_014956.4); short protein forms R1246Q.
Identifiers: ClinVar variation 1434617 (VCV001434617.10), dbSNP rs147208889, ClinGen allele CA6295547.

ClinVar aggregate classification (germline): Uncertain significance. Review status: criteria provided, multiple submitters, no conflicts (2 of 4 stars). 3 submissions from 3 submitters: Uncertain significance (3). Last evaluated 2026-07-21.

Conditions:
CEP164-related disorder. Also called: CEP164-related condition.
Nephronophthisis 15 (NPHP15). Identifiers: Orphanet 3156, MedGen C3541853, MONDO:0013917, OMIM 614845.

Allele frequency attached by ClinVar (database versions not stated): ExAC 0.00001; gnomAD 0.00001; TOPMed 0.00001; ESP Exome Variant Server 0.00008.
gnomAD v4.1: 23 of 1,613,902 alleles (0.0014%); highest among the groups gnomAD compares: East Asian, 0.038%; no homozygotes.

Submissions (3):

PreventionGenetics, part of Exact Sciences
Classification: Uncertain significance for CEP164-related condition. Last evaluated: 2026-07-21. Review status: criteria provided, single submitter. Criteria: ACMG Guidelines, 2015. Collection method: clinical testing. Allele origin: germline.
Comment: The CEP164 c.3737G>A variant is predicted to result in the amino acid substitution p.Arg1246Gln. This variant has been reported in the compound heterozygous state an individual with nephronophthisis (Supplementary table S4, Fujimaru et al. 2021. PubMed ID: 34013113). This variant is reported in 0.025% of alleles in individuals of East Asian descent in gnomAD. At this time, the clinical significance of this variant is uncertain due to the absence of conclusive functional and genetic evidence.

Fulgent Genetics
Classification: Uncertain significance for Nephronophthisis 15. Last evaluated: 2024-04-13. Review status: criteria provided, single submitter. Criteria: ACMG Guidelines, 2015. Collection method: clinical testing. Allele origin: germline.

Labcorp Genetics (formerly Invitae), Labcorp
Classification: Uncertain significance for Nephronophthisis 15. Last evaluated: 2023-12-18. Review status: criteria provided, single submitter. Criteria: Invitae Variant Classification Sherloc (09022015). Collection method: clinical testing. Allele origin: germline.
Comment: This sequence change replaces arginine, which is basic and polar, with glutamine, which is neutral and polar, at codon 1246 of the CEP164 protein (p.Arg1246Gln). This variant is present in population databases (rs147208889, gnomAD 0.03%). This missense change has been observed in individual(s) with nephronophthisis (PMID: 34013113). ClinVar contains an entry for this variant (Variation ID: 1434617). Algorithms developed to predict the effect of missense changes on protein structure and function output the following: SIFT: "Not Available"; PolyPhen-2: "Benign"; Align-GVGD: "Not Available". The glutamine amino acid residue is found in multiple mammalian species, which suggests that this missense change does not adversely affect protein function. In summary, the available evidence is currently insufficient to determine the role of this variant in disease. Therefore, it has been classified as a Variant of Uncertain Significance.

Literature cited by the submitters: PubMed 34013113 (cited by Labcorp Genetics (formerly Invitae), Labcorp).